The following is an entry in ClinVar:

NM_181672.3(OGT):c.2551T>C (p.Tyr851His)

Gene: OGT (O-linked N-acetylglucosamine (GlcNAc) transferase; plus strand). Cytogenetic location: Xq13.1.
Variant type: single nucleotide variant.
Coding change: c.2551T>C on transcript NM_181672.3 (MANE Select); coding-DNA position 2551, T replaced by C.
Protein change: p.Tyr851His; replaces tyrosine 851 with histidine.
Molecular consequence: missense variant.
Genome position (GRCh38, 1-based): chrX:71,564,715, T>C. VCF-style: chrX-71564715-T-C. GRCh37 (hg19) VCF-style: chrX-70784565-T-C.
Other names: c.2521T>C, p.Tyr841His (NM_181673.3); short protein forms Y851H, Y841H.
Identifiers: ClinVar variation 4294386 (VCV004294386.1).

ClinVar aggregate classification (germline): Uncertain significance (1 of 4 stars; one submission).

Conditions:
Intellectual developmental disorder, X-linked 106. Also called: Intellectual disability, X-linked 106; Mental retardation, X-linked 106. Identifiers: MedGen C4478379, MONDO:0030907, OMIM 300997.

Submission:

Laboratoire Génétique Moléculaire, CHRU TOURS
Classification: Uncertain significance for Intellectual developmental disorder, X-linked 106. Last evaluated: 2024-11-05. Review status: criteria provided, single submitter. Criteria: ACMG Guidelines, 2015. Collection method: clinical testing. Allele origin: unknown.
Comment: PM2;PP3